The following is an entry in ClinVar:

NM_004387.4(NKX2-5):c.439del (p.Gln147fs)

Gene: NKX2-5 (NK2 homeobox 5; minus strand). Cytogenetic location: 5q35.1.
Variant type: Deletion.
Coding change: c.439del on transcript NM_004387.4 (MANE Select); coding-DNA position 439, one base deleted (C; older notation c.439delC).
Protein change: p.Gln147fs; shifts the reading frame from glutamine 147.
Molecular consequence: frameshift variant. On other transcripts: 3 prime UTR variant (2).
Genome position (GRCh38, 1-based): chr5:173,233,105, G deleted on the plus strand (C on the coding strand, the reverse complement: NKX2-5 is on the minus strand). VCF-style (leftmost placement, unchanged base first): chr5-173233104-TG-T. GRCh37 (hg19) VCF-style: chr5-172660107-TG-T.
Other names: c.*392del (NM_001166175.2); c.*238del (NM_001166176.2); short protein forms Q147fs.
Identifiers: ClinVar variation 982415 (VCV000982415.1), dbSNP rs1761360431, ClinGen allele CA1139659256.
Genomic context (GRCh38, chr5:173,233,104, plus strand): 5'-TCGGGGGCCGACAGGTACCGCTGCTGCTTGAAGCGCCGCTCCAGCTCATAGACCTGCGCC[TG>T]CGAGAAGAGCACGCGCGGCTTCCTCCGCCGTCGCGCCCGGGGCCGCTCCGCGTTGTCCGC-3'

ClinVar aggregate classification (germline): Pathogenic (1 of 4 stars; one submission).

Conditions:
Tetralogy of Fallot (TOF). Identifiers: Orphanet 3303, MedGen C0039685, MONDO:0008542, OMIM 187500, HP:0001636.

Submission:

HudsonAlpha Institute for Biotechnology
Classification: Pathogenic for Tetralogy of Fallot. Last evaluated: 2020-06-24. Review status: criteria provided, single submitter. Criteria: ACMG Guidelines, 2015. Collection method: research. Allele origin: paternal. Affected: yes. Observed: 1 variant allele. Study: CSER-SouthSeq.
Comment: ACMG codes:PVS1; PM2; PP4